The following is an entry in ClinVar:

ClinVar aggregate classification (germline): Conflicting classifications of pathogenicity. Review status: criteria provided, conflicting classifications (1 of 4 stars). 4 submissions from 4 submitters: Likely pathogenic (1); Uncertain significance (3). Last evaluated 2026-01-29.

Conditions:
Growth delay due to insulin-like growth factor I resistance. Also called: Somatomedin end-organ insensitivity to; Somatomedin-c resistance to; IGF-1 resistance; IGF-I RESISTANCE; Insulin-Like Growth Factor I Resistance. Identifiers: Orphanet 73273, MedGen C1849157, MONDO:0010038, OMIM 270450.

Allele frequency attached by ClinVar (database versions not stated): gnomAD exomes below 0.00001.
gnomAD v4.1: 2 of 1,614,036 alleles (0.00012%); highest among the groups gnomAD compares: Non-Finnish European, 0.00017%; no homozygotes.

Submissions (4):

GeneDx
Classification: Uncertain significance. Last evaluated: 2026-01-29. Review status: criteria provided, single submitter. Criteria: GeneDx Variant Classification Process June 2021. Collection method: clinical testing. Allele origin: germline. Affected: yes.
Comment: Not observed at significant frequency in large population cohorts (gnomAD); In silico analysis supports that this missense variant has a deleterious effect on protein structure/function; Has not been previously published as pathogenic or benign to our knowledge

Labcorp Genetics (formerly Invitae), Labcorp
Classification: Uncertain significance. Last evaluated: 2024-10-15. Review status: criteria provided, single submitter. Criteria: Invitae Variant Classification Sherloc (09022015). Collection method: clinical testing. Allele origin: germline.
Comment: This sequence change replaces arginine, which is basic and polar, with tryptophan, which is neutral and slightly polar, at codon 1139 of the IGF1R protein (p.Arg1139Trp). This variant is not present in population databases (gnomAD no frequency). This variant has not been reported in the literature in individuals affected with IGF1R-related conditions. ClinVar contains an entry for this variant (Variation ID: 1301445). Invitae Evidence Modeling of protein sequence and biophysical properties (such as structural, functional, and spatial information, amino acid conservation, physicochemical variation, residue mobility, and thermodynamic stability) indicates that this missense variant is expected to disrupt IGF1R protein function with a positive predictive value of 80%. In summary, the available evidence is currently insufficient to determine the role of this variant in disease. Therefore, it has been classified as a Variant of Uncertain Significance.

Fulgent Genetics
Classification: Uncertain significance for Growth delay due to insulin-like growth factor I resistance. Last evaluated: 2024-04-02. Review status: criteria provided, single submitter. Criteria: ACMG Guidelines, 2015. Collection method: clinical testing. Allele origin: germline.

Clinical Genetics Service, Universitary Hospital 12 de Octubre
Classification: Likely pathogenic for Growth delay due to insulin-like growth factor I resistance. Review status: criteria provided, single submitter. Criteria: ACMG Guidelines, 2015. Collection method: clinical testing. Allele origin: maternal. Affected: yes.

NM_000875.5(IGF1R):c.3415C>T (p.Arg1139Trp)

Gene: IGF1R (insulin like growth factor 1 receptor; plus strand). Cytogenetic location: 15q26.3.
Variant type: single nucleotide variant.
Coding change: c.3415C>T on transcript NM_000875.5 (MANE Select); coding-DNA position 3415, C replaced by T.
Protein change: p.Arg1139Trp; replaces arginine 1139 with tryptophan.
Molecular consequence: missense variant.
Genome position (GRCh38, 1-based): chr15:98,939,318, C>T. VCF-style: chr15-98939318-C-T. GRCh37 (hg19) VCF-style: chr15-99482547-C-T.
Other names: c.3412C>T, p.Arg1138Trp (NM_001291858.2); c.3415C>T (NM_000875.4); short protein forms R1138W, R1139W.
Identifiers: ClinVar variation 1301445 (VCV001301445.9), dbSNP rs1596472846, ClinGen allele CA393660128.